The following is an entry in ClinVar:

NM_000404.4(GLB1):c.1739A>G (p.Gln580Arg)

Gene: GLB1 (galactosidase beta 1; minus strand). Cytogenetic location: 3p22.3.
Variant type: single nucleotide variant.
Coding change: c.1739A>G on transcript NM_000404.4 (MANE Select); coding-DNA position 1739, A replaced by G.
Protein change: p.Gln580Arg; replaces glutamine 580 with arginine.
Molecular consequence: missense variant. On other transcripts: intron variant (1).
Genome position (GRCh38, 1-based): chr3:32,997,340, T>C on the plus strand (A>G on the coding strand, the complement: GLB1 is on the minus strand). VCF-style: chr3-32997340-T-C. GRCh37 (hg19) VCF-style: chr3-33038832-T-C.
Other names: c.1649A>G, p.Gln550Arg (NM_001079811.3); c.1346A>G, p.Gln449Arg (NM_001135602.3); c.1883A>G, p.Gln628Arg (NM_001317040.2); c.1734+16716A>G (NM_001393580.1); short protein forms Q628R, Q449R, Q550R, Q580R.
Identifiers: ClinVar variation 1475941 (VCV001475941.6), dbSNP rs2125442981, ClinGen allele CA352000853.

ClinVar aggregate classification (germline): Likely pathogenic (1 of 4 stars; one submission).

Conditions:
GM1 gangliosidosis. Identifiers: Orphanet 354, MedGen C0085131, MONDO:0018149.
Mucopolysaccharidosis, MPS-IV-B (MPS4B). Also called: MORQUIO SYNDROME B; Mucopolysaccharidosis Type IVB (Morquio B Disease); Mucopolysaccharidosis type 4B; Mucopolysaccharidosis type IVB (Morquio); MPS IVB; Mucopolysaccharidosis type IV B. Identifiers: Orphanet 309310, Orphanet 582, MedGen C0086652, MONDO:0009660, OMIM 253010.

Allele frequency attached by ClinVar (database versions not stated): gnomAD exomes below 0.00001.
gnomAD v4.1: 1 of 1,612,818 alleles (0.000062%); highest among the groups gnomAD compares: Non-Finnish European, 0.000085%; no homozygotes.

Submission:

Labcorp Genetics (formerly Invitae), Labcorp
Classification: Likely pathogenic for Mucopolysaccharidosis, MPS-IV-B; GM1 gangliosidosis. Last evaluated: 2021-11-14. Review status: criteria provided, single submitter. Criteria: Invitae Variant Classification Sherloc (09022015). Collection method: clinical testing. Allele origin: germline.
Comment: In summary, the currently available evidence indicates that the variant is pathogenic, but additional data are needed to prove that conclusively. Therefore, this variant has been classified as Likely Pathogenic. Advanced modeling of protein sequence and biophysical properties (such as structural, functional, and spatial information, amino acid conservation, physicochemical variation, residue mobility, and thermodynamic stability) performed at Invitae indicates that this missense variant is expected to disrupt GLB1 protein function. This missense change has been observed in individual(s) with GM1-gangliosidosis (PMID: 23046582). This variant is not present in population databases (gnomAD no frequency). This sequence change replaces glutamine, which is neutral and polar, with arginine, which is basic and polar, at codon 580 of the GLB1 protein (p.Gln580Arg).

Literature cited by the submitters: PubMed 23046582.